The following is an entry in ClinVar:

ClinVar aggregate classification (germline): Benign (3 of 4 stars; one submission).

Conditions:
Galactosemia. Also called: Galactose intolerance. Identifiers: Orphanet 352, MedGen C0016952, MONDO:0018116, HP:0004919. Disease mechanism: loss of function.

Allele frequency attached by ClinVar (database versions not stated): gnomAD 0.01303; TOPMed 0.01604; 1000 Genomes Project 0.00919.

Submission:

Clingen Galactosemia Variant Curation Expert Panel, ClinGen
Classification: Benign for Galactosemia. Last evaluated: 2026-06-23. Review status: reviewed by expert panel. Criteria: ClinGen Galactosemia ACMG Specifications GALT V1.1. Collection method: curation. Allele origin: germline. Inheritance: Autosomal recessive inheritance.
Comment: The c.*203C>T variant is a single base substitution in the 3'UTR of GALT. Because the variant is located in the 3'UTR, it is not expected to alter the amino acid sequence. The filtering allele frequency of the c.*203C>T variant in GALT is 0.02503 for European (Non-Finnish) chromosomes by gnomAD v4.1.0, which is higher than the ClinGen Galactosemia VCEP threshold (≥ 0.01 or 1%) for BA1, and therefore meets this criterion (BA1). In summary, this variant meets the criteria to be classified as benign for galactosemia based on the ACMG/AMP criteria applied, as specified by the ClinGen Galactosemia VCEP: BA1 (GALT pilot specifications version 1.0).

NM_000155.4(GALT):c.*203C>T

Gene: GALT (galactose-1-phosphate uridylyltransferase; plus strand). Cytogenetic location: 9p13.3.
Variant type: single nucleotide variant.
Coding change: c.*203C>T on transcript NM_000155.4 (MANE Select); 203 bases downstream of the stop codon, C replaced by T.
Molecular consequence: 3 prime UTR variant.
Genome position (GRCh38, 1-based): chr9:34,650,652, C>T. VCF-style: chr9-34650652-C-T. GRCh37 (hg19) VCF-style: chr9-34650649-C-T.
Other names: NM_001258332.2:c.*203C>T.
Identifiers: ClinVar variation 5021473 (VCV005021473.1), dbSNP rs75958979.